The following is an entry in ClinVar:

NM_001378477.3(NYX):c.583A>T (p.Ser195Cys)

Gene: NYX (nyctalopin; plus strand). Cytogenetic location: Xp11.4.
Variant type: single nucleotide variant.
Coding change: c.583A>T on transcript NM_001378477.3 (MANE Select); coding-DNA position 583, A replaced by T.
Protein change: p.Ser195Cys; replaces serine 195 with cysteine.
Molecular consequence: missense variant.
Genome position (GRCh38, 1-based): chrX:41,474,051, A>T. VCF-style: chrX-41474051-A-T. GRCh37 (hg19) VCF-style: chrX-41333304-A-T.
Other names: c.583A>T, p.Ser195Cys (NM_022567.3); short protein forms S195C.
Identifiers: ClinVar variation 3673720 (VCV003673720.2).

ClinVar aggregate classification (germline): Uncertain significance (1 of 4 stars; one submission).

Submission:

Labcorp Genetics (formerly Invitae), Labcorp
Classification: Uncertain significance. Last evaluated: 2024-10-28. Review status: criteria provided, single submitter. Criteria: Invitae Variant Classification Sherloc (09022015). Collection method: clinical testing. Allele origin: germline.
Comment: This sequence change replaces serine, which is neutral and polar, with cysteine, which is neutral and slightly polar, at codon 200 of the NYX protein (p.Ser200Cys). This variant is not present in population databases (gnomAD no frequency). This variant has not been reported in the literature in individuals affected with NYX-related conditions. Invitae Evidence Modeling of protein sequence and biophysical properties (such as structural, functional, and spatial information, amino acid conservation, physicochemical variation, residue mobility, and thermodynamic stability) indicates that this missense variant is not expected to disrupt NYX protein function with a negative predictive value of 80%. In summary, the available evidence is currently insufficient to determine the role of this variant in disease. Therefore, it has been classified as a Variant of Uncertain Significance.